The following is an entry in ClinVar:

ClinVar aggregate classification (germline): Uncertain significance. Review status: criteria provided, multiple submitters, no conflicts (2 of 4 stars). 3 submissions from 3 submitters: Uncertain significance (3). Last evaluated 2025-12-03.

Conditions:
Inborn genetic diseases. Identifiers: MedGen C0950123, MeSH D030342.

Allele frequency attached by ClinVar (database versions not stated): gnomAD exomes below 0.00001; TOPMed 0.00001; ESP Exome Variant Server 0.00008.
gnomAD v4.1: 7 of 1,614,000 alleles (0.00043%); highest among the groups gnomAD compares: Non-Finnish European, 0.00051%; no homozygotes.

Submissions (3):

Women's Health and Genetics/Laboratory Corporation of America, LabCorp
Classification: Uncertain significance. Last evaluated: 2025-12-03. Review status: criteria provided, single submitter. Criteria: LabCorp Variant Classification Summary - May 2015. Collection method: clinical testing. Allele origin: germline.
Comment: Variant summary: DCHS1 c.3748G>A (p.Gly1250Arg) results in a non-conservative amino acid change in the encoded protein sequence. Algorithms developed to predict the effect of missense changes on protein structure and function are either unavailable or do not agree on the potential impact of this missense change. The variant was absent in 251016 control chromosomes. The available data on variant occurrences in the general population are insufficient to allow any conclusion about variant significance. To our knowledge, no occurrence of c.3748G>A in individuals affected with DCHS1-related conditions and no experimental evidence demonstrating its impact on protein function have been reported. ClinVar contains an entry for this variant (Variation ID: 2617045). Based on the evidence outlined above, the variant was classified as uncertain significance.

Labcorp Genetics (formerly Invitae), Labcorp
Classification: Uncertain significance. Last evaluated: 2024-10-08. Review status: criteria provided, single submitter. Criteria: Invitae Variant Classification Sherloc (09022015). Collection method: clinical testing. Allele origin: germline.
Comment: This sequence change replaces glycine, which is neutral and non-polar, with arginine, which is basic and polar, at codon 1250 of the DCHS1 protein (p.Gly1250Arg). This variant is not present in population databases (gnomAD no frequency). This variant has not been reported in the literature in individuals affected with DCHS1-related conditions. ClinVar contains an entry for this variant (Variation ID: 2617045). Invitae Evidence Modeling of protein sequence and biophysical properties (such as structural, functional, and spatial information, amino acid conservation, physicochemical variation, residue mobility, and thermodynamic stability) indicates that this missense variant is expected to disrupt DCHS1 protein function with a positive predictive value of 80%. In summary, the available evidence is currently insufficient to determine the role of this variant in disease. Therefore, it has been classified as a Variant of Uncertain Significance.

Ambry Genetics
Classification: Uncertain significance for Inborn genetic diseases. Last evaluated: 2023-08-22. Review status: criteria provided, single submitter. Criteria: Ambry Variant Classification Scheme 2023. Collection method: clinical testing. Allele origin: germline.

NM_003737.4(DCHS1):c.3748G>A (p.Gly1250Arg)

Gene: DCHS1 (dachsous cadherin-related 1; minus strand). Cytogenetic location: 11p15.4.
Variant type: single nucleotide variant.
Coding change: c.3748G>A on transcript NM_003737.4 (MANE Select); coding-DNA position 3748, G replaced by A.
Protein change: p.Gly1250Arg; replaces glycine 1250 with arginine.
Molecular consequence: missense variant.
Genome position (GRCh38, 1-based): chr11:6,631,335, C>T on the plus strand (G>A on the coding strand, the complement: DCHS1 is on the minus strand). VCF-style: chr11-6631335-C-T. GRCh37 (hg19) VCF-style: chr11-6652566-C-T.
Other names: short protein forms G1250R.
Identifiers: ClinVar variation 2617045 (VCV002617045.6), dbSNP rs371857669, ClinGen allele CA217299068.